The following is an entry in ClinVar:

NM_000059.4(BRCA2):c.8483_8484insGAATATGAAAT (p.Ile2828fs)

Gene: BRCA2 (BRCA2 DNA repair associated; plus strand). Cytogenetic location: 13q13.1.
Variant type: Insertion.
Coding change: c.8483_8484insGAATATGAAAT on transcript NM_000059.4 (MANE Select); coding-DNA positions 8483 to 8484, GAATATGAAAT inserted.
Protein change: p.Ile2828fs; shifts the reading frame from isoleucine 2828.
Molecular consequence: frameshift variant. On other transcripts: non-coding transcript variant (1).
Genome position: GRCh38 VCF-style: chr13-32370551-T-TATGAATATGAA. GRCh37 (hg19) VCF-style: chr13-32944688-T-TATGAATATGAA.
Other names: c.8387_8388insGAATATGAAAT, p.Ile2796fs (NM_001406719.1); c.8483_8484insGAATATGAAAT, p.Ile2828fs (NM_001406720.1); c.3551_3552insGAATATGAAAT, p.Ile1184fs (NM_001406721.1); c.2066_2067insGAATATGAAAT, p.Ile689fs (NM_001406722.1); short protein forms I1184fs, I2828fs, I689fs, I2796fs.
Identifiers: ClinVar variation 2851342 (VCV002851342.3), dbSNP rs2548550215, ClinGen allele CA2739277518.

ClinVar aggregate classification (germline): Pathogenic (1 of 4 stars; one submission).

Conditions:
Hereditary breast ovarian cancer syndrome. Also called: Hereditary breast and ovarian cancer syndrome (HBOC); Hereditary breast and ovarian cancer syndrome; Breast and ovarian cancer; BRCA1- and BRCA2-Associated Hereditary Breast and Ovarian Cancer; Hereditary breast and ovarian cancer; Hereditary breast and/or ovarian cancer syndrome. Identifiers: Orphanet 145, MedGen C0677776, MeSH D061325, MONDO:0003582. Disease mechanism: loss of function.

Submission:

Labcorp Genetics (formerly Invitae), Labcorp
Classification: Pathogenic for Hereditary breast ovarian cancer syndrome. Last evaluated: 2023-04-01. Review status: criteria provided, single submitter. Criteria: Invitae Variant Classification Sherloc (09022015). Collection method: clinical testing. Allele origin: germline.
Comment: For these reasons, this variant has been classified as Pathogenic. This variant has not been reported in the literature in individuals affected with BRCA2-related conditions. This variant is not present in population databases (gnomAD no frequency). This sequence change creates a premature translational stop signal (p.Ile2828Metfs*39) in the BRCA2 gene. It is expected to result in an absent or disrupted protein product. Loss-of-function variants in BRCA2 are known to be pathogenic (PMID: 20104584).

Literature cited by the submitters: PubMed 20104584.